The following is an entry in ClinVar:

NM_001184880.2(PCDH19):c.3270A>C (p.Pro1090=)

Gene: PCDH19 (protocadherin 19; minus strand). Cytogenetic location: Xq22.1.
Variant type: single nucleotide variant.
Coding change: c.3270A>C on transcript NM_001184880.2 (MANE Select); coding-DNA position 3270, A replaced by C.
Protein change: p.Pro1090=; no amino-acid change (proline 1090 retained).
Molecular consequence: synonymous variant.
Genome position (GRCh38, 1-based): chrX:100,296,454, T>G on the plus strand (A>C on the coding strand, the complement: PCDH19 is on the minus strand). VCF-style: chrX-100296454-T-G. GRCh37 (hg19) VCF-style: chrX-99551452-T-G.
Other names: c.3129A>C, p.Pro1043= (NM_001105243.2); c.3126A>C, p.Pro1042= (NM_020766.3).
Identifiers: ClinVar variation 1012667 (VCV001012667.38), dbSNP rs1924607775, ClinGen allele CA517747443.

ClinVar aggregate classification (germline): Likely benign (1 of 4 stars; one submission).

Submission:

CeGaT Center for Human Genetics Tuebingen
Classification: Likely benign. Last evaluated: 2025-02-01. Review status: criteria provided, single submitter. Criteria: CeGaT Center For Human Genetics Tuebingen Variant Classification Criteria Version 2. Collection method: clinical testing. Allele origin: germline. Affected: yes. Observed: 4 variant alleles.
Comment: PCDH19: PM2:Supporting, BP4, BP7